The following is an entry in ClinVar:

NM_000368.5(TSC1):c.3253A>G (p.Lys1085Glu)

Gene: TSC1 (TSC complex subunit 1; minus strand). Cytogenetic location: 9q34.13.
Variant type: single nucleotide variant.
Coding change: c.3253A>G on transcript NM_000368.5 (MANE Select); coding-DNA position 3253, A replaced by G.
Protein change: p.Lys1085Glu; replaces lysine 1085 with glutamic acid.
Molecular consequence: missense variant.
Genome position (GRCh38, 1-based): chr9:132,896,477, T>C on the plus strand (A>G on the coding strand, the complement: TSC1 is on the minus strand). VCF-style: chr9-132896477-T-C. GRCh37 (hg19) VCF-style: chr9-135771864-T-C.
Other names: c.3250A>G, p.Lys1084Glu (NM_001162426.2); c.3100A>G, p.Lys1034Glu (NM_001162427.2); c.2890A>G, p.Lys964Glu (NM_001362177.2); short protein forms K1085E, K1034E, K1084E, K964E.
Identifiers: ClinVar variation 486575 (VCV000486575.23), dbSNP rs1442514678, ClinGen allele CA375366847.

ClinVar aggregate classification (germline): Conflicting classifications of pathogenicity. Review status: criteria provided, conflicting classifications (1 of 4 stars). 6 submissions from 6 submitters: Uncertain significance (3); Benign (1); Likely benign (2). Last evaluated 2025-11-04.

Conditions:
Hereditary cancer-predisposing syndrome. Also called: Tumor predisposition; Neoplastic Syndromes, Hereditary; Hereditary Cancer Syndrome; Hereditary neoplastic syndrome. Identifiers: Orphanet 140162, MedGen C0027672, MeSH D009386, MONDO:0015356.
Tuberous sclerosis syndrome (TSC). Also called: Tuberous Sclerosis Complex; Tuberous sclerosis. Identifiers: Orphanet 805, MedGen C0041341, MONDO:0001734.
Tuberous sclerosis 1 (TSC1). Identifiers: Orphanet 805, MedGen C1854465, MONDO:0008612, OMIM 191100.

Allele frequency attached by ClinVar (database versions not stated): gnomAD exomes below 0.00001 and 0.00001; TOPMed 0.00001; gnomAD 0.00002.
gnomAD v4.1: 6 of 1,614,108 alleles (0.00037%); highest among the groups gnomAD compares: East Asian, 0.0022%; no homozygotes.

Submissions (6):

Labcorp Genetics (formerly Invitae), Labcorp
Classification: Benign for Tuberous sclerosis 1. Last evaluated: 2025-11-04. Review status: criteria provided, single submitter. Criteria: Invitae Variant Classification Sherloc (09022015). Collection method: clinical testing. Allele origin: germline.

Color Diagnostics, LLC DBA Color Health
Classification: Uncertain significance for Tuberous sclerosis syndrome. Last evaluated: 2025-07-03. Review status: criteria provided, single submitter. Criteria: ACMG Guidelines, 2015. Collection method: clinical testing. Allele origin: germline.
Comment: This missense variant replaces lysine with glutamic acid at codon 1085 of the TSC1 protein. Computational prediction suggests that this variant may not impact protein structure and function. To our knowledge, functional studies have not been reported for this variant. This variant has been reported in an individual with a suspected diagnosis of tuberous schlerosis (PMID: 32917966). This variant has been identified in 6/282866 chromosomes in the general population by the Genome Aggregation Database (gnomAD). The available evidence is insufficient to determine the role of this variant in disease conclusively. Therefore, this variant is classified as a Variant of Uncertain Significance.

Ambry Genetics
Classification: Uncertain significance for Hereditary cancer-predisposing syndrome. Last evaluated: 2024-12-17. Review status: criteria provided, single submitter. Criteria: Ambry Variant Classification Scheme 2023. Collection method: clinical testing. Allele origin: germline.
Comment: The p.K1085E variant (also known as c.3253A>G), located in coding exon 21 of the TSC1 gene, results from an A to G substitution at nucleotide position 3253. The lysine at codon 1085 is replaced by glutamic acid, an amino acid with similar properties. This alteration has been reported in a patient with a possible diagnosis of tuberous sclerosis, with a personal history of cortical dysplasias and epilepsy (Meng Y et al. J Hum Genet, 2021 Mar;66:227-236). It has also been reported in patients from myeloid malignancy and breast cancer cohorts (Li ST et al. Leukemia, 2020 06;34:1675-1678; Chen B et al. Aging (Albany NY), 2020 02;12:3140-3155). This amino acid position is poorly conserved in available vertebrate species. In addition, this alteration is predicted to be tolerated by in silico analysis. Since supporting evidence is limited at this time, the clinical significance of this alteration remains unclear.

Myriad Genetics, Inc.
Classification: Likely benign for Tuberous sclerosis 1. Last evaluated: 2024-08-16. Review status: criteria provided, single submitter. Criteria: Myriad Autosomal Dominant, Autosomal Recessive and X-Linked Classification Criteria (2023). Collection method: clinical testing. Allele origin: unknown.
Comment: This variant is considered likely benign. This variant has been observed at a population frequency that is significantly greater than expected given the associated disease prevalence and penetrance.

Genome-Nilou Lab
Classification: Likely benign for Tuberous sclerosis 1. Last evaluated: 2021-11-07. Review status: criteria provided, single submitter. Criteria: ACMG Guidelines, 2015. Collection method: clinical testing. Allele origin: germline. Affected: no.

Institute for Clinical Genetics, University Hospital TU Dresden, University Hospital TU Dresden
Classification: Uncertain significance. Last evaluated: 2021-11-03. Review status: criteria provided, single submitter. Criteria: ACMG Guidelines, 2015. Collection method: clinical testing. Allele origin: germline.

Literature cited by the submitters: PubMed 32917966 (cited by Color Diagnostics, LLC DBA Color Health and Ambry Genetics); PubMed 31911633 (cited by Ambry Genetics); PubMed 32091409 (cited by Ambry Genetics).